The following continues an entry in ClinVar:

NM_000059.4(BRCA2):c.3599_3600del (p.Asp1199_Cys1200insTer)

Gene: BRCA2. ClinVar aggregate classification (germline): Pathogenic. Pathogenic (1).

Submissions 9 to 23 of 35:

All of Us Research Program, National Institutes of Health
Classification: Pathogenic for BRCA2-related cancer predisposition. Last evaluated: 2024-09-28. Review status: criteria provided, single submitter. Criteria: ACMG Guidelines, 2015. Collection method: clinical testing. Allele origin: germline. Inheritance: Autosomal dominant inheritance. Observed: 3 variant alleles, 3 heterozygotes. Not counted in ClinVar's aggregate classification.
Comment: This variant deletes 2 nucleotides in exon 11 of the BRCA2 gene, creating a frameshift and premature translation stop signal. This variant is expected to result in an absent or non-functional protein product. This variant has been reported in at least 10 individuals affected with breast and/or ovarian cancer (PMID: 11920621, 12774040, 20104584, 22798144, 24504028, 24728189, 26287763, 29348823, 33471991; Leiden Open Variation Database DB-ID BRCA2_001069) and 2 individuals affected with prostate cancer (PMID: 31214711). This variant has been detected in a compound heterozygous carrier affected with Fanconi anemia (PMID: 15645491). This variant also has been detected in unaffected individuals (PMID: 11920621, 30287823, 31214711, 33471991; Leiden Open Variation Database DB-ID BRCA2_001069) and in 4/251042 chromosomes in the general population by the Genome Aggregation Database (gnomAD). Loss of BRCA2 function is a known mechanism of disease. Based on the available evidence, this variant is classified as Pathogenic.

This study involves interpretation of variants in research participants for the purpose of population health screening. Participant phenotype was not available at the time of variant classification. Additional details can be found in publication PMID: 35346344, PMCID: PMC8962531

Blueprint Genetics
Classification: Pathogenic for BRCA2-related disorders. Last evaluated: 2024-08-13. Review status: criteria provided, single submitter. Criteria: ACMG Guidelines, 2015. Collection method: clinical testing. Allele origin: germline. Affected: yes. Observed: 1 variant allele. Not counted in ClinVar's aggregate classification.

Department of Clinical Genetics, Copenhagen University Hospital, Rigshospitalet
Classification: Pathogenic for Breast-ovarian cancer, familial, susceptibility to, 2. Last evaluated: 2024-05-27. Review status: criteria provided, single submitter. Criteria: ACMG Guidelines, 2015. Collection method: clinical testing. Allele origin: germline. Affected: yes. Not counted in ClinVar's aggregate classification.
Comment: PVS1; PM5_PTC_Strong

Fulgent Genetics
Classification: Pathogenic for Familial cancer of breast; Medulloblastoma; Familial prostate cancer; Wilms tumor 1; Fanconi anemia complementation group D1; Breast-ovarian cancer, familial, susceptibility to, 2; Glioma susceptibility 3; Pancreatic cancer, susceptibility to, 2. Last evaluated: 2024-03-20. Review status: criteria provided, single submitter. Criteria: ACMG Guidelines, 2015. Collection method: clinical testing. Allele origin: germline. Not counted in ClinVar's aggregate classification.

Baylor Genetics
Classification: Pathogenic for Familial cancer of breast. Last evaluated: 2023-11-20. Review status: criteria provided, single submitter. Criteria: ACMG Guidelines, 2015. Collection method: clinical testing. Allele origin: unknown. Not counted in ClinVar's aggregate classification.

KCCC/NGS Laboratory, Kuwait Cancer Control Center
Classification: Pathogenic for Breast-ovarian cancer, familial, susceptibility to, 2. Last evaluated: 2023-06-06. Review status: criteria provided, single submitter. Criteria: ACMG Guidelines, 2015. Collection method: clinical testing. Allele origin: germline. Affected: yes. Not counted in ClinVar's aggregate classification.
Comment: A known pathogenic variant was detected in the BRCA2 gene (p.Cys1200Ter). This sequence change creates a premature translational stop signal (p.Cys1200*) in the BRCA2 gene. It is expected to result in an absent or disrupted protein product. This variant has been reported in individuals with breast cancer, ovarian cancer, and Fanconi anemia (PMID: 24504028, 16683254, 25863477, 15645491, 24728189). This variant is also known as 3827delGT in the literature. ClinVar contains an entry for this variant (Variation ID: 51493) with 16 submissions, all pathogenic, 3 stars, no conflict, and reviewed by an expert panel. Loss-of-function variants in BRCA2 are known to be pathogenic (PMID: 20104584). Therefore, this variant has been classified as Pathogenic.

GeneDx
Classification: Pathogenic. Last evaluated: 2022-11-28. Review status: criteria provided, single submitter. Criteria: GeneDx Variant Classification Process June 2021. Collection method: clinical testing. Allele origin: germline. Affected: yes. Not counted in ClinVar's aggregate classification.
Comment: Nonsense variant predicted to result in protein truncation or nonsense mediated decay in a gene for which loss of function is a known mechanism of disease; Observed in individuals with BRCA2-related cancers (De Leon Matsuda et al., 2002; Liede et al., 2002; Song et al., 2014; Kang et al., 2015; Nielsen et al., 2016); Truncating variants in this gene are considered pathogenic by a well-established clinical consortium and/or database; Not observed at significant frequency in large population cohorts (gnomAD); Also known as 3827delGT; This variant is associated with the following publications: (PMID: 26833046, 32455662, 32980694, 31492746, 29922827, 34697415, 11920621, 12442265, 22798144, 24728189, 24504028, 26287763, 25863477, 26681312, 28166811, 27767231, 28617445, 29128982, 29348823, 29470806, 29446198, 30309222, 30287823, 30720243, 30702160, 30322717, 30972954, 31263054, 29176636, 33646313, 33372952, 33151324, 30787465, 31742824, 33087929, 34645131, 15645491)

Women's Health and Genetics/Laboratory Corporation of America, LabCorp
Classification: Pathogenic for Hereditary breast ovarian cancer syndrome. Last evaluated: 2021-02-07. Review status: criteria provided, single submitter. Criteria: LabCorp Variant Classification Summary - May 2015. Collection method: clinical testing. Allele origin: germline. Not counted in ClinVar's aggregate classification.
Comment: Variant summary: BRCA2 c.3599_3600delGT (p.Cys1200X) results in a premature termination codon, predicted to cause a truncation of the encoded protein or absence of the protein due to nonsense mediated decay, which are commonly known mechanisms for disease. Truncations downstream of this position have been classified as pathogenic by our laboratory. The variant allele was found at a frequency of 1.6e-05 in 254218 control chromosomes. c.3599_3600delGT has been widely reported in the literature in multiple individuals affected with Hereditary Breast And Ovarian Cancer Syndrome (example, Rebbeck_2018). These data indicate that the variant is very likely to be associated with disease. To our knowledge, no experimental evidence demonstrating an impact on protein function has been reported. Multiple clinical diagnostic laboratories and one expert panel (ENIGMA) have submitted clinical-significance assessments for this variant to ClinVar after 2014 without evidence for independent evaluation. All submitters classified the variant as pathogenic. Based on the evidence outlined above, the variant was classified as pathogenic.

Quest Diagnostics Nichols Institute San Juan Capistrano
Classification: Pathogenic. Last evaluated: 2020-10-16. Review status: criteria provided, single submitter. Criteria: Quest Diagnostics criteria. Collection method: clinical testing. Allele origin: unknown. Not counted in ClinVar's aggregate classification.
Comment: This frameshift variant causes the premature termination of BRCA2 protein synthesis. Based on the available information, this variant is classified as pathogenic.

Department of Molecular Diagnostics, Institute of Oncology Ljubljana
Classification: Pathogenic for Breast-ovarian cancer, familial, susceptibility to, 1. Last evaluated: 2020-04-02. Review status: criteria provided, single submitter. Criteria: ACMG Guidelines, 2015. Collection method: clinical testing. Allele origin: germline. Affected: yes. Not counted in ClinVar's aggregate classification.

Clinical Genetics and Genomics, Karolinska University Hospital
Classification: Pathogenic. Last evaluated: 2019-10-21. Review status: criteria provided, single submitter. Criteria: ACMG Guidelines, 2015. Collection method: clinical testing. Allele origin: germline. Affected: yes. Observed: 1 variant allele. Not counted in ClinVar's aggregate classification.

Laboratory for Molecular Medicine, Mass General Brigham Personalized Medicine
Classification: Pathogenic for Hereditary breast ovarian cancer syndrome. Last evaluated: 2019-10-14. Review status: criteria provided, single submitter. Criteria: ACMG Guidelines, 2015. Collection method: clinical testing. Allele origin: germline. Not counted in ClinVar's aggregate classification.
Comment: The p.Cys1200X variant in BRCA2 (resulting from c.3599_3600delGT) has been reported in at least 13 individuals with BRCA2-related cancers (De Leon Matsuda 2002, Cunningham 2014, Susswein 2016, Hirasawa 2017, Momozawa 2018, BIC database). It has also been identified in 1/18394 East Asian chromosomes by gnomAD; however, this frequency is low enough to be consistent with the frequency of hereditary breast and ovarian cancer (HBOC) in the general population. This frameshift variant is predicted to lead to a premature termination codon at position 1200. Loss of function of the BRCA2 gene is an established disease mechanism in autosomal dominant hereditary breast and ovarian cancer syndrome (HBOC). Additionally, this variant was classified as Pathogenic on Apr 22, 2016 by the ClinGen-approved ENIGMA expert panel (Variation ID: 51493). In summary, this variant meets criteria to be classified as pathogenic for autosomal dominant HBOC. ACMG/AMP Criteria applied: PVS1, PM2, PS4_Moderate.

Consortium of Investigators of Modifiers of BRCA1/2 (CIMBA), c/o University of Cambridge
Classification: Pathogenic for Breast-ovarian cancer, familial, susceptibility to, 2. Last evaluated: 2015-10-02. Review status: criteria provided, single submitter. Criteria: CIMBA Mutation Classification guidelines May 2016. Collection method: clinical testing. Allele origin: germline. Not counted in ClinVar's aggregate classification.

Genome Diagnostics Laboratory, University Medical Center Utrecht
Classification: Pathogenic for Breast-ovarian cancer, familial, susceptibility to, 2. Last evaluated: 2014-10-10. Review status: criteria provided, single submitter. Criteria: ACGS Guidelines, 2013. Collection method: clinical testing. Allele origin: germline. Affected: yes. Study: VKGL Data-share Consensus. Not counted in ClinVar's aggregate classification.

Institute for Medical Genetics and Human Genetics, Charité - Universitätsmedizin Berlin
Classification: Pathogenic. Review status: criteria provided, single submitter. Criteria: ACMG Guidelines, 2015. Collection method: not provided. Allele origin: germline. Inheritance: Autosomal dominant inheritance. Affected: yes. Not counted in ClinVar's aggregate classification.